The following is an entry in ClinVar:

ClinVar aggregate classification (germline): Uncertain significance (1 of 4 stars; one submission).

Conditions:
Congenital myasthenic syndrome 18. Also called: MYASTHENIC SYNDROME, CONGENITAL, 18, WITH INTELLECTUAL DISABILITY AND ATAXIA. Identifiers: Orphanet 590, MedGen C4225364, MONDO:0014590, OMIM 616330.

Allele frequency attached by ClinVar (database versions not stated): gnomAD 0.00001.
gnomAD v4.1: 1 of 1,613,418 alleles (0.000062%); highest among the groups gnomAD compares: Admixed American, 0.0017%; no homozygotes.

Submission:

Labcorp Genetics (formerly Invitae), Labcorp
Classification: Uncertain significance for Congenital myasthenic syndrome 18. Last evaluated: 2023-07-03. Review status: criteria provided, single submitter. Criteria: Invitae Variant Classification Sherloc (09022015). Collection method: clinical testing. Allele origin: germline.
Comment: In summary, the available evidence is currently insufficient to determine the role of this variant in disease. Therefore, it has been classified as a Variant of Uncertain Significance. An algorithm developed to predict the effect of missense changes on protein structure and function (PolyPhen-2) suggests that this variant is likely to be tolerated. This variant has not been reported in the literature in individuals affected with SNAP25-related conditions. This variant is not present in population databases (gnomAD no frequency). This sequence change replaces threonine, which is neutral and polar, with alanine, which is neutral and non-polar, at codon 190 of the SNAP25 protein (p.Thr190Ala).

NM_130811.4(SNAP25):c.568A>G (p.Thr190Ala)

Gene: SNAP25 (synaptosome associated protein 25; plus strand). Cytogenetic location: 20p12.2.
Variant type: single nucleotide variant.
Coding change: c.568A>G on transcript NM_130811.4 (MANE Select); coding-DNA position 568, A replaced by G.
Protein change: p.Thr190Ala; replaces threonine 190 with alanine.
Molecular consequence: missense variant.
Genome position (GRCh38, 1-based): chr20:10,306,144, A>G. VCF-style: chr20-10306144-A-G. GRCh37 (hg19) VCF-style: chr20-10286792-A-G.
Other names: c.568A>G, p.Thr190Ala (NM_001322902.2, NM_001322903.2, NM_001322904.2 and 9 more transcripts); short protein forms T190A.
Identifiers: ClinVar variation 2734799 (VCV002734799.3), dbSNP rs1753004259, ClinGen allele CA408266836.
Genomic context (GRCh38, chr20:10,306,144, plus strand): 5'-TTTTAAGGGGTAACCTGAGTTCTGTTTCTTTTCCCCCTTTTCTAGGCTGATTCCAACAAA[A>G]CCAGAATTGATGAGGCCAACCAACGTGCAACAAAGATGCTGGGAAGTGGTTAAGTGTGCC-3'
Protein context (NP_570824.1, residues 180-200): RIMEKADSNK[Thr190Ala]RIDEANQRAT